The following is an entry in ClinVar:

NM_017755.6(NSUN2):c.2160G>A (p.Glu720=)

Gene: NSUN2 (NOP2/Sun RNA methyltransferase 2; minus strand). Cytogenetic location: 5p15.31.
Variant type: single nucleotide variant.
Coding change: c.2160G>A on transcript NM_017755.6 (MANE Select); coding-DNA position 2160, G replaced by A.
Protein change: p.Glu720=; no amino-acid change (glutamic acid 720 retained).
Molecular consequence: synonymous variant. On other transcripts: non-coding transcript variant (1).
Genome position (GRCh38, 1-based): chr5:6,600,070, C>T on the plus strand (G>A on the coding strand, the complement: NSUN2 is on the minus strand). VCF-style: chr5-6600070-C-T. GRCh37 (hg19) VCF-style: chr5-6600183-C-T.
Other names: c.2055G>A, p.Glu685= (NM_001193455.2).
Identifiers: ClinVar variation 4534579 (VCV004534579.6).

ClinVar aggregate classification (germline): Likely benign (1 of 4 stars; one submission).

Submission:

CeGaT Center for Human Genetics Tuebingen
Classification: Likely benign. Last evaluated: 2025-11-01. Review status: criteria provided, single submitter. Criteria: CeGaT Center For Human Genetics Tuebingen Variant Classification Criteria Version 2. Collection method: clinical testing. Allele origin: germline. Affected: yes. Observed: 1 variant allele.
Comment: NSUN2: PM2:Supporting, BP4, BP7